The following is an entry in ClinVar:

NM_002230.4(JUP):c.2212C>T (p.Pro738Ser)

Gene: JUP (junction plakoglobin; minus strand). Cytogenetic location: 17q21.2.
Variant type: single nucleotide variant.
Coding change: c.2212C>T on transcript NM_002230.4 (MANE Select); coding-DNA position 2212, C replaced by T.
Protein change: p.Pro738Ser; replaces proline 738 with serine.
Molecular consequence: missense variant.
Genome position (GRCh38, 1-based): chr17:41,755,770, G>A on the plus strand (C>T on the coding strand, the complement: JUP is on the minus strand). VCF-style: chr17-41755770-G-A. GRCh37 (hg19) VCF-style: chr17-39912022-G-A.
Other names: c.2212C>T, p.Pro738Ser (NM_001352773.2, NM_001352774.2, NM_001352775.2 and 3 more transcripts); short protein forms P738S.
Identifiers: ClinVar variation 2448234 (VCV002448234.2), dbSNP rs2544006478, ClinGen allele CA399490298.

ClinVar aggregate classification (germline): Uncertain significance (1 of 4 stars; one submission).

Conditions:
Cardiovascular phenotype. Identifiers: MedGen CN230736.

Submission:

Ambry Genetics
Classification: Uncertain significance for Cardiovascular phenotype. Last evaluated: 2022-11-04. Review status: criteria provided, single submitter. Criteria: Ambry Variant Classification Scheme 2023. Collection method: clinical testing. Allele origin: germline.
Comment: The p.P738S variant (also known as c.2212C>T), located in coding exon 13 of the JUP gene, results from a C to T substitution at nucleotide position 2212. The proline at codon 738 is replaced by serine, an amino acid with similar properties. This amino acid position is conserved. In addition, this alteration is predicted to be tolerated by in silico analysis. Since supporting evidence is limited at this time, the clinical significance of this alteration remains unclear.